The following is an entry in ClinVar:

ClinVar aggregate classification (germline): Uncertain significance (1 of 4 stars; one submission).

Submission:

Greenwood Genetic Center Diagnostic Laboratories, Greenwood Genetic Center
Classification: Uncertain significance. Last evaluated: 2024-10-16. Review status: criteria provided, single submitter. Criteria: ACMG Guidelines, 2015. Collection method: clinical testing. Allele origin: germline. Affected: yes.
Comment: PM2

NM_030912.3(TRIM8):c.1514del (p.Pro505fs)

Gene: TRIM8 (tripartite motif containing 8; plus strand). Cytogenetic location: 10q24.32.
Variant type: Deletion.
Coding change: c.1514del on transcript NM_030912.3 (MANE Select); coding-DNA position 1514, one base deleted (C; older notation c.1514delC).
Protein change: p.Pro505fs; shifts the reading frame from proline 505.
Molecular consequence: frameshift variant. On other transcripts: non-coding transcript variant (1).
Genome position (GRCh38, 1-based): chr10:102,657,212, C deleted; the last of 3 consecutive C bases (chr10:102,657,210-102,657,212); deleting any one gives the same sequence. VCF-style (leftmost placement, unchanged base first): chr10-102657209-AC-A. GRCh37 (hg19) VCF-style: chr10-104416966-AC-A.
Other names: c.1418del, p.Pro473fs (NM_001345950.1); short protein forms P473fs, P505fs.
Identifiers: ClinVar variation 3765710 (VCV003765710.1).